The following is an entry in ClinVar:

NM_001365276.2(TNXB):c.2345A>G (p.Gln782Arg)

Gene: TNXB (tenascin XB; minus strand). Cytogenetic location: 6p21.33.
Variant type: single nucleotide variant.
Coding change: c.2345A>G on transcript NM_001365276.2 (MANE Select); coding-DNA position 2345, A replaced by G.
Protein change: p.Gln782Arg; replaces glutamine 782 with arginine.
Molecular consequence: missense variant.
Genome position (GRCh38, 1-based): chr6:32,095,089, T>C on the plus strand (A>G on the coding strand, the complement: TNXB is on the minus strand). VCF-style: chr6-32095089-T-C. GRCh37 (hg19) VCF-style: chr6-32062866-T-C.
Other names: c.2345A>G, p.Gln782Arg (NM_019105.8); short protein forms Q782R.
Identifiers: ClinVar variation 2451139 (VCV002451139.2), dbSNP rs1429558721, ClinGen allele CA363469598.

ClinVar aggregate classification (germline): Uncertain significance (1 of 4 stars; one submission).

Conditions:
Cardiovascular phenotype. Identifiers: MedGen CN230736.

Allele frequency attached by ClinVar (database versions not stated): gnomAD exomes below 0.00001; TOPMed below 0.00001.

Submission:

Ambry Genetics
Classification: Uncertain significance for Cardiovascular phenotype. Last evaluated: 2022-12-18. Review status: criteria provided, single submitter. Criteria: Ambry Variant Classification Scheme 2023. Collection method: clinical testing. Allele origin: germline.
Comment: The p.Q782R variant (also known as c.2345A>G), located in coding exon 3 of the TNXB gene, results from an A to G substitution at nucleotide position 2345. The glutamine at codon 782 is replaced by arginine, an amino acid with highly similar properties. This amino acid position is conserved. In addition, this alteration is predicted to be tolerated by in silico analysis. Since supporting evidence is limited at this time, the clinical significance of this alteration remains unclear.